The following is an entry in ClinVar:

NM_021813.4(BACH2):c.644A>C (p.Asp215Ala)

Gene: BACH2 (BACH transcriptional regulator 2; minus strand). Cytogenetic location: 6q15.
Variant type: single nucleotide variant.
Coding change: c.644A>C on transcript NM_021813.4 (MANE Select); coding-DNA position 644, A replaced by C.
Protein change: p.Asp215Ala; replaces aspartic acid 215 with alanine.
Molecular consequence: missense variant.
Genome position (GRCh38, 1-based): chr6:89,951,462, T>G on the plus strand (A>C on the coding strand, the complement: BACH2 is on the minus strand). VCF-style: chr6-89951462-T-G. GRCh37 (hg19) VCF-style: chr6-90661181-T-G.
Other names: c.644A>C, p.Asp215Ala (NM_001170794.2); short protein forms D215A.
Identifiers: ClinVar variation 2656774 (VCV002656774.24), dbSNP rs1774107190, ClinGen allele CA365072558.

ClinVar aggregate classification (germline): Uncertain significance (1 of 4 stars; one submission).

Submission:

CeGaT Center for Human Genetics Tuebingen
Classification: Uncertain significance. Last evaluated: 2023-07-01. Review status: criteria provided, single submitter. Criteria: CeGaT Center For Human Genetics Tuebingen Variant Classification Criteria Version 2. Collection method: clinical testing. Allele origin: germline. Affected: yes. Observed: 1 variant allele.
Comment: BACH2: PM2, BP4